The following is an entry in ClinVar:

ClinVar aggregate classification (germline): Uncertain significance (1 of 4 stars; one submission).

gnomAD v4.1: 24 of 764,656 alleles (0.0031%); highest among the groups gnomAD compares: African/African-American, 0.0085%; no homozygotes.

Submission:

Labcorp Genetics (formerly Invitae), Labcorp
Classification: Uncertain significance. Last evaluated: 2026-01-19. Review status: criteria provided, single submitter. Criteria: Invitae Variant Classification Sherloc (09022015). Collection method: clinical testing. Allele origin: germline.
Comment: This variant occurs in the SNORD118 gene, which encodes an RNA molecule that does not result in a protein product. This variant is present in population databases (rs773923180, gnomAD 0.01%). This variant has not been reported in the literature in individuals affected with SNORD118-related conditions. ClinVar contains an entry for this variant (Variation ID: 1493318). Experimental studies and prediction algorithms are not available or were not evaluated, and the functional significance of this variant is currently unknown. In summary, the available evidence is currently insufficient to determine the role of this variant in disease. Therefore, it has been classified as a Variant of Uncertain Significance.

NR_033294.2(SNORD118):n.112A>C

Genes: SNORD118 (small nucleolar RNA, C/D box 118; minus strand), TMEM107 (transmembrane protein 107; minus strand). Cytogenetic location: 17p13.1.
Variant type: single nucleotide variant.
Molecular consequence: non-coding transcript variant (on NR_033294.2). On other transcripts: 3 prime UTR variant (5).
Genome position: GRCh38 VCF-style: chr17-8173477-T-G. GRCh37 (hg19) VCF-style: chr17-8076795-T-G.
Other names: c.*726A>C (NM_001351278.2, NM_001351279.2, NM_001351280.2 and 2 more transcripts).
Identifiers: ClinVar variation 1493318 (VCV001493318.4), dbSNP rs773923180, ClinGen allele CA8370605.
Genomic context (GRCh38, chr17:8,173,477, plus strand): 5'-ATCAGCATAACACAAATGTAAGTGATCGTCAGAAAGAATCAGACAGGAGCAATCAGGGTG[T>G]TGCAAGTCCTGATTACGCAGAGACGTTAATCACGTTTCATGCATCTCCAATCATCATGTT-3'